The following is an entry in ClinVar:

ClinVar aggregate classification (germline): Pathogenic. Review status: criteria provided, multiple submitters, no conflicts (2 of 4 stars). 6 submissions from 6 submitters: Pathogenic (6). Last evaluated 2025-08-31.

Conditions:
ALDH7A1-related disorder. Also called: ALDH7A1-related condition.
Pyridoxine-dependent epilepsy (EPEO4). Also called: Pyridoxine-Dependent Seizures; Pyridoxine-Dependent Epilepsy - ALDH7A1; EPILEPSY, EARLY-ONSET, 4, VITAMIN B6-DEPENDENT; PYRIDOXINE DEPENDENCY WITH SEIZURES. Identifiers: Orphanet 3006, MedGen C1849508, MONDO:0009945, OMIM 266100. Disease mechanism: loss of function.

Allele frequency attached by ClinVar (database versions not stated): ExAC 0.00002; gnomAD 0.00002; gnomAD exomes 0.00002; TOPMed 0.00002; ESP Exome Variant Server 0.00008.
gnomAD v4.1: 19 of 1,614,008 alleles (0.0012%); highest among the groups gnomAD compares: African/African-American, 0.0027%; no homozygotes.

Submissions (6):

Labcorp Genetics (formerly Invitae), Labcorp
Classification: Pathogenic for Pyridoxine-dependent epilepsy. Last evaluated: 2025-08-31. Review status: criteria provided, single submitter. Criteria: Invitae Variant Classification Sherloc (09022015). Collection method: clinical testing. Allele origin: germline.
Comment: This sequence change replaces asparagine, which is neutral and polar, with serine, which is neutral and polar, at codon 195 of the ALDH7A1 protein (p.Asn195Ser). This variant is present in population databases (rs372660425, gnomAD 0.006%). This missense change has been observed in individual(s) with pyridoxine-dependent seizures (PMID: 19128417, 20554659, 23350806, 24789515, 24848745). In at least one individual the data is consistent with being in trans (on the opposite chromosome) from a pathogenic variant. ClinVar contains an entry for this variant (Variation ID: 219413). Invitae Evidence Modeling of protein sequence and biophysical properties (such as structural, functional, and spatial information, amino acid conservation, physicochemical variation, residue mobility, and thermodynamic stability) indicates that this missense variant is expected to disrupt ALDH7A1 protein function with a positive predictive value of 95%. For these reasons, this variant has been classified as Pathogenic.

PreventionGenetics, part of Exact Sciences
Classification: Pathogenic for ALDH7A1-related condition. Last evaluated: 2025-04-03. Review status: criteria provided, single submitter. Criteria: ACMG Guidelines, 2015. Collection method: clinical testing. Allele origin: germline.
Comment: The ALDH7A1 c.584A>G variant is predicted to result in the amino acid substitution p.Asn195Ser. This variant, alternatively referred to as p.Asn167Ser using legacy nomenclature, has been reported in the compound heterozygous state in multiple individuals with pyridoxine-dependent epilepsy (Bennett et al. 2009. PubMed ID: 19128417; Coughlin et al. 2019. PubMed ID: 30043187, Table S2; Della Mina et al. 2014. PubMed ID: 24848745; Laciak et al. 2019. PubMed ID: 31302938). Structural and functional analyses suggest that this variant impacts normal protein function (Nasr et al. 2014. PubMed ID: 24789515). This variant is reported in 0.0054% of alleles in individuals of East Asian descent in gnomAD and it is interpreted as pathogenic in ClinVar. This variant is interpreted as pathogenic.

Blueprint Genetics
Classification: Pathogenic for ALDH7A1-related disorders. Last evaluated: 2024-10-18. Review status: criteria provided, single submitter. Criteria: ACMG Guidelines, 2015. Collection method: clinical testing. Allele origin: germline. Affected: yes. Observed: 4 variant alleles.

Genome-Nilou Lab
Classification: Pathogenic for Pyridoxine-dependent epilepsy. Last evaluated: 2023-04-11. Review status: criteria provided, single submitter. Criteria: ACMG Guidelines, 2015. Collection method: clinical testing. Allele origin: germline. Affected: no.

Women's Health and Genetics/Laboratory Corporation of America, LabCorp
Classification: Pathogenic for Pyridoxine-dependent epilepsy. Last evaluated: 2022-06-03. Review status: criteria provided, single submitter. Criteria: LabCorp Variant Classification Summary - May 2015. Collection method: clinical testing. Allele origin: germline.
Comment: Variant summary: ALDH7A1 c.584A>G (p.Asn195Ser) results in a conservative amino acid change located in the Aldehyde dehydrogenase domain of the encoded protein sequence. Four of five in-silico tools predict a damaging effect of the variant on protein function. The variant allele was found at a frequency of 2.4e-05 in 251480 control chromosomes. c.584A>G has been reported in the literature in the homozygous and compound heterozygous state in multiple individuals affected with Pyridoxine-Dependent Epilepsy (Bennett_2009, Perez_2013, Coughlin_2019). These data indicate that the variant is very likely to be associated with disease. At least one publication reports experimental evidence evaluating an impact on protein function. The variant was shown to result in a protein with a catalytic efficiency 110-fold lower than wild-type ALDH7A1 (Laciak_2020). Two ClinVar submitters (evaluation after 2014) cite the variant as pathogenic. Based on the evidence outlined above, the variant was classified as pathogenic.

GeneDx
Classification: Pathogenic. Last evaluated: 2017-04-05. Review status: criteria provided, single submitter. Criteria: GeneDx Variant Classification (06012015). Collection method: clinical testing. Allele origin: germline. Affected: yes.
Comment: The N195S variant in the ALDH7A1 gene has been reported previously in multiple unrelated patients with pyridoxine-dependent epilepsy who had a second ALDH7A1 variant on the opposite allele (Bennett et al., 2009; Della Mina et al., 2015; Nasr et al., 2015; Tincheva et al., 2015). Due to use of alternative nomenclature, this variant has been reported as N167S (Bennett et al., 2009; Nasr et al., 2015). The N195S variant is not observed at a significant frequency in large population cohorts (Lek et al., 2016; 1000 Genomes Consortium et al., 2015; Exome Variant Server). The N195S variant is a conservative amino acid substitution. This substitution occurs at a position that is conserved across species, and missense variants in nearby residues (I191V, P197S, A199V) have been reported in the Human Gene Mutation Database in association with ALDH7A1-related disorders (Stenson et al., 2014), supporting the functional importance of this region of the protein. In silico analysis predicts this variant is probably damaging to the protein structure/function. Therefore, the N195S variant is considered to be pathogenic.

Literature cited by the submitters: PubMed 19128417 (cited by Labcorp Genetics (formerly Invitae), Labcorp and Women's Health and Genetics/Laboratory Corporation of America, LabCorp); PubMed 20554659 (cited by Labcorp Genetics (formerly Invitae), Labcorp); PubMed 23350806 (cited by Labcorp Genetics (formerly Invitae), Labcorp and Women's Health and Genetics/Laboratory Corporation of America, LabCorp); PubMed 24789515 (cited by Labcorp Genetics (formerly Invitae), Labcorp); PubMed 24848745 (cited by Labcorp Genetics (formerly Invitae), Labcorp); PubMed 30043187 (cited by Women's Health and Genetics/Laboratory Corporation of America, LabCorp); PubMed 31302938 (cited by Women's Health and Genetics/Laboratory Corporation of America, LabCorp).

NM_001182.5(ALDH7A1):c.584A>G (p.Asn195Ser)

Gene: ALDH7A1 (aldehyde dehydrogenase 7 family member A1; minus strand). Cytogenetic location: 5q23.2.
Variant type: single nucleotide variant.
Coding change: c.584A>G on transcript NM_001182.5 (MANE Select); coding-DNA position 584, A replaced by G.
Protein change: p.Asn195Ser; replaces asparagine 195 with serine.
Molecular consequence: missense variant.
Genome position (GRCh38, 1-based): chr5:126,577,145, T>C on the plus strand (A>G on the coding strand, the complement: ALDH7A1 is on the minus strand). VCF-style: chr5-126577145-T-C. GRCh37 (hg19) VCF-style: chr5-125912837-T-C.
Other names: c.500A>G, p.Asn167Ser (NM_001201377.2); c.584A>G, p.Asn195Ser (NM_001202404.2); short protein forms N195S, N167S.
Identifiers: ClinVar variation 219413 (VCV000219413.12), dbSNP rs372660425, ClinGen allele CA350800.